The following is an entry in ClinVar:

ClinVar aggregate classification (germline): Conflicting classifications of pathogenicity. Review status: criteria provided, conflicting classifications (1 of 4 stars). 3 submissions from 3 submitters: Uncertain significance (2); Likely benign (1). Last evaluated 2026-06-22.

Conditions:
Tuberous sclerosis 1 (TSC1). Identifiers: Orphanet 805, MedGen C1854465, MONDO:0008612, OMIM 191100.
Hereditary cancer-predisposing syndrome. Also called: Neoplastic Syndromes, Hereditary; Tumor predisposition; Hereditary Cancer Syndrome; Hereditary neoplastic syndrome. Identifiers: Orphanet 140162, MedGen C0027672, MeSH D009386, MONDO:0015356.

Allele frequency attached by ClinVar (database versions not stated): gnomAD 0.00001; gnomAD exomes below 0.00001.
gnomAD v4.1: 5 of 1,614,124 alleles (0.00031%); highest among the groups gnomAD compares: South Asian, 0.0055%; no homozygotes.

Submissions (3):

Ambry Genetics
Classification: Likely benign for Hereditary cancer-predisposing syndrome. Last evaluated: 2026-06-22. Review status: criteria provided, single submitter. Criteria: Ambry Variant Classification Scheme 2023. Collection method: clinical testing. Allele origin: germline.

Labcorp Genetics (formerly Invitae), Labcorp
Classification: Uncertain significance for Tuberous sclerosis 1. Last evaluated: 2024-08-11. Review status: criteria provided, single submitter. Criteria: Invitae Variant Classification Sherloc (09022015). Collection method: clinical testing. Allele origin: germline.
Comment: This sequence change replaces alanine, which is neutral and non-polar, with glycine, which is neutral and non-polar, at codon 529 of the TSC1 protein (p.Ala529Gly). This variant is not present in population databases (gnomAD no frequency). This variant has not been reported in the literature in individuals affected with TSC1-related conditions. Advanced modeling of protein sequence and biophysical properties (such as structural, functional, and spatial information, amino acid conservation, physicochemical variation, residue mobility, and thermodynamic stability) performed at Invitae indicates that this missense variant is not expected to disrupt TSC1 protein function with a negative predictive value of 95%. In summary, the available evidence is currently insufficient to determine the role of this variant in disease. Therefore, it has been classified as a Variant of Uncertain Significance.

Neuberg Centre For Genomic Medicine, NCGM
Classification: Uncertain significance for Tuberous sclerosis 1. Review status: criteria provided, single submitter. Criteria: ACMG Guidelines, 2015. Collection method: clinical testing. Allele origin: germline. Inheritance: Autosomal dominant inheritance. Affected: yes.
Comment: The missense c.1586C>G (p.Ala529Gly) variant in the TSC1 gene has not been reported previously as a pathogenic variant nor as a benign variant, to our knowledge. The variant is absent in gnomAD Exomes. The amino acid Alanine at position 529 is changed to a Glycine changing protein sequence and it might alter its composition and physico-chemical properties. The amino acid change p.Ala529Gly in TSC1 is predicted as conserved by GERP++ and PhyloP across 100 vertebrates. For these reasons, this variant has been classified as Uncertain Significance.

NM_000368.5(TSC1):c.1586C>G (p.Ala529Gly)

Gene: TSC1 (TSC complex subunit 1; minus strand). Cytogenetic location: 9q34.13.
Variant type: single nucleotide variant.
Coding change: c.1586C>G on transcript NM_000368.5 (MANE Select); coding-DNA position 1586, C replaced by G.
Protein change: p.Ala529Gly; replaces alanine 529 with glycine.
Molecular consequence: missense variant. On other transcripts: non-coding transcript variant (5).
Genome position (GRCh38, 1-based): chr9:132,905,992, G>C on the plus strand (C>G on the coding strand, the complement: TSC1 is on the minus strand). VCF-style: chr9-132905992-G-C. GRCh37 (hg19) VCF-style: chr9-135781379-G-C.
Other names: c.1586C>G, p.Ala529Gly (NM_001406601.1, NM_001406602.1, NM_001406605.1 and 7 more transcripts); c.1583C>G, p.Ala528Gly (NM_001406603.1, NM_001406604.1, NM_001406608.1 and 6 more transcripts); c.1433C>G, p.Ala478Gly (NM_001406610.1, NM_001162427.2); c.1220C>G, p.Ala407Gly (NM_001406620.1, NM_001406621.1, NM_001406622.1 and 2 more transcripts); c.1223C>G, p.Ala408Gly (NM_001406624.1, NM_001406614.1, NM_001406615.1 and 5 more transcripts); c.635C>G, p.Ala212Gly (NM_001406626.1); c.632C>G, p.Ala211Gly (NM_001406627.1, NM_001406628.1); c.533C>G, p.Ala178Gly (NM_001406629.1, NM_001406630.1); and 1 more; short protein forms A178G, A211G, A212G, A407G, A408G, A477G, A478G, A528G.
Identifiers: ClinVar variation 3242072 (VCV003242072.5), dbSNP rs1845645423.